The following is an entry in ClinVar:

ClinVar aggregate classification (germline): Pathogenic. Review status: criteria provided, single submitter (1 of 4 stars). 2 submissions from 2 submitters: Pathogenic (1). 1 of the submissions does not count toward it. Last evaluated 2023-09-08.

Conditions:
Glucose-6-phosphate transport defect (GSD1B). Also called: Glycogen Storage Disease Type Ib; GSD Ib. Identifiers: Orphanet 364, Orphanet 79259, MedGen C0268146, MONDO:0009288, OMIM 232220.

Allele frequency attached by ClinVar (database versions not stated): gnomAD exomes below 0.00001 and 0.00001; ExAC 0.00002.

Submissions (2):

Labcorp Genetics (formerly Invitae), Labcorp
Classification: Pathogenic for Glucose-6-phosphate transport defect. Last evaluated: 2023-09-08. Review status: criteria provided, single submitter. Criteria: Invitae Variant Classification Sherloc (09022015). Collection method: clinical testing. Allele origin: germline.
Comment: For these reasons, this variant has been classified as Pathogenic. Advanced modeling of protein sequence and biophysical properties (such as structural, functional, and spatial information, amino acid conservation, physicochemical variation, residue mobility, and thermodynamic stability) has been performed at Invitae for this missense variant, however the output from this modeling did not meet the statistical confidence thresholds required to predict the impact of this variant on SLC37A4 protein function. ClinVar contains an entry for this variant (Variation ID: 68279). This missense change has been observed in individual(s) with glycogen storage disease, and is considered to be common in Korean subpopulation (PMID: 15953877, 28224773). In at least one individual the data is consistent with being in trans (on the opposite chromosome) from a pathogenic variant. It has also been observed to segregate with disease in related individuals. This variant is present in population databases (rs193302879, gnomAD 0.01%). This sequence change replaces alanine, which is neutral and non-polar, with valine, which is neutral and non-polar, at codon 148 of the SLC37A4 protein (p.Ala148Val).

UniProtKB/Swiss-Prot
No classification provided. Review status: no classification provided. Collection method: not provided. Allele origin: germline. Not counted in ClinVar's aggregate classification.

Literature cited by the submitters: PubMed 15953877 (cited by Labcorp Genetics (formerly Invitae), Labcorp); PubMed 28224773 (cited by Labcorp Genetics (formerly Invitae), Labcorp).

NM_001164277.2(SLC37A4):c.443C>T (p.Ala148Val)

Gene: SLC37A4 (solute carrier family 37 member 4; minus strand). Cytogenetic location: 11q23.3.
Variant type: single nucleotide variant.
Coding change: c.443C>T on transcript NM_001164277.2 (MANE Select); coding-DNA position 443, C replaced by T.
Protein change: p.Ala148Val; replaces alanine 148 with valine.
Molecular consequence: missense variant.
Genome position (GRCh38, 1-based): chr11:119,027,811, G>A on the plus strand (C>T on the coding strand, the complement: SLC37A4 is on the minus strand). VCF-style: chr11-119027811-G-A. GRCh37 (hg19) VCF-style: chr11-118898521-G-A.
Other names: c.443C>T, p.Ala148Val (NM_001164278.2, NM_001164280.2, NM_001467.6); c.224C>T, p.Ala75Val (NM_001164279.2); short protein forms A148V, A75V.
Identifiers: ClinVar variation 68279 (VCV000068279.6), dbSNP rs193302879, ClinGen allele CA219316.